The following is an entry in ClinVar:

ClinVar aggregate classification (germline): Benign/Likely benign. Review status: criteria provided, multiple submitters, no conflicts (2 of 4 stars). 8 submissions from 8 submitters: Benign (2); Likely benign (6). Last evaluated 2026-01-26.

Conditions:
Nephronophthisis. Also called: Juvenile Nephronophthisis. Identifiers: Orphanet 655, MedGen C0687120, MONDO:0019005, HP:0000090.
Kidney disorder. Also called: Kidney disease; Kidney Diseases; renal disease; renal disorder; Nephropathy. Identifiers: MedGen C0022658, MONDO:0005240, HP:0000112.

Allele frequency attached by ClinVar (database versions not stated): 1000 Genomes Project 0.00100; gnomAD 0.00211 and 0.00191; ExAC 0.00056; 1000 Genomes Project 30x 0.00094; ESP Exome Variant Server 0.00169; TOPMed 0.00196.
gnomAD v4.1: 499 of 1,605,010 alleles (0.031%); highest among the groups gnomAD compares: African/African-American, 0.62%; 2 homozygotes.

Submissions (8):

Labcorp Genetics (formerly Invitae), Labcorp
Classification: Benign for Nephronophthisis. Last evaluated: 2026-01-26. Review status: criteria provided, single submitter. Criteria: Invitae Variant Classification Sherloc (09022015). Collection method: clinical testing. Allele origin: germline.

Mayo Clinic Laboratories, Mayo Clinic
Classification: Likely benign. Last evaluated: 2025-08-05. Review status: criteria provided, single submitter. Criteria: ACMG Guidelines, 2015. Collection method: clinical testing. Allele origin: germline. Observed: 2 variant alleles.
Comment: BS1, BP4

Blueprint Genetics
Classification: Likely benign. Last evaluated: 2024-09-23. Review status: criteria provided, single submitter. Criteria: ACMG Guidelines, 2015. Collection method: clinical testing. Allele origin: germline.

GeneDx
Classification: Likely benign. Last evaluated: 2020-06-08. Review status: criteria provided, single submitter. Criteria: GeneDx Variant Classification Process June 2021. Collection method: clinical testing. Allele origin: germline. Affected: yes.

Genome Diagnostics Laboratory, The Hospital for Sick Children
Classification: Likely benign for Kidney disorder. Last evaluated: 2016-12-12. Review status: criteria provided, single submitter. Criteria: ACMG Guidelines, 2015. Collection method: clinical testing. Allele origin: germline.

Eurofins Ntd Llc (ga)
Classification: Benign. Last evaluated: 2013-10-04. Review status: criteria provided, single submitter. Criteria: EGL Classification Definitions 2015. Collection method: clinical testing. Allele origin: germline. Observed: 1 variant allele, 1 heterozygote.

Breakthrough Genomics
Classification: Likely benign. Review status: criteria provided, single submitter. Criteria: ACMG Guidelines, 2015. Collection method: not provided. Allele origin: germline. Inheritance: Autosomal recessive inheritance. Affected: yes.

PreventionGenetics, part of Exact Sciences
Classification: Likely benign. Review status: criteria provided, single submitter. Criteria: ACMG Guidelines, 2015. Collection method: clinical testing. Allele origin: germline.

Literature cited by the submitters: PubMed 33046855 (cited by Mayo Clinic Laboratories, Mayo Clinic).

NM_001128178.3(NPHP1):c.133A>C (p.Ile45Leu)

Gene: NPHP1 (nephrocystin 1; minus strand). Cytogenetic location: 2q13.
Variant type: single nucleotide variant.
Coding change: c.133A>C on transcript NM_001128178.3 (MANE Select); coding-DNA position 133, A replaced by C.
Protein change: p.Ile45Leu; replaces isoleucine 45 with leucine.
Molecular consequence: missense variant.
Genome position (GRCh38, 1-based): chr2:110,201,431, T>G on the plus strand (A>C on the coding strand, the complement: NPHP1 is on the minus strand). VCF-style: chr2-110201431-T-G. GRCh37 (hg19) VCF-style: chr2-110959008-T-G.
Other names: c.133A>C, p.Ile45Leu (NM_000272.5, NM_001128179.3, NM_001374256.1 and 2 more transcripts); c.133A>C (NM_000272.4); short protein forms I45L.
Identifiers: ClinVar variation 92717 (VCV000092717.23), dbSNP rs145479679, ClinGen allele CA145973.